The following is an entry in ClinVar:

NM_004385.5(VCAN):c.9379+6A>G

Genes: VCAN (versican; plus strand), VCAN-AS1 (VCAN antisense RNA 1; minus strand). Cytogenetic location: 5q14.3.
Variant type: single nucleotide variant.
Coding change: c.9379+6A>G on transcript NM_004385.5 (MANE Select); 6 bases into the intron after coding-DNA position 9379, A replaced by G.
Molecular consequence: intron variant.
Genome position (GRCh38, 1-based): chr5:83,545,656, A>G. VCF-style: chr5-83545656-A-G. GRCh37 (hg19) VCF-style: chr5-82841475-A-G.
Other names: c.4117+6A>G (NM_001164098.2); c.6418+6A>G (NM_001164097.2); c.1156+6A>G (NM_001126336.3).
Identifiers: ClinVar variation 1957201 (VCV001957201.5), dbSNP rs752434456, ClinGen allele CA1078172895.

ClinVar aggregate classification (germline): Uncertain significance (1 of 4 stars; one submission).

Submission:

Labcorp Genetics (formerly Invitae), Labcorp
Classification: Uncertain significance. Last evaluated: 2022-05-12. Review status: criteria provided, single submitter. Criteria: Invitae Variant Classification Sherloc (09022015). Collection method: clinical testing. Allele origin: germline.
Comment: In summary, the available evidence is currently insufficient to determine the role of this variant in disease. Therefore, it has been classified as a Variant of Uncertain Significance. Variants that disrupt the consensus splice site are a relatively common cause of aberrant splicing (PMID: 17576681, 9536098). Algorithms developed to predict the effect of sequence changes on RNA splicing suggest that this variant is not likely to affect RNA splicing. This variant has not been reported in the literature in individuals affected with VCAN-related conditions. This variant is not present in population databases (gnomAD no frequency). This sequence change falls in intron 9 of the VCAN gene. It does not directly change the encoded amino acid sequence of the VCAN protein. It affects a nucleotide within the consensus splice site.

Literature cited by the submitters: PubMed 17576681; PubMed 9536098.